The following is an entry in ClinVar:

ClinVar aggregate classification (germline): Conflicting classifications of pathogenicity. Review status: criteria provided, conflicting classifications (1 of 4 stars). 3 submissions from 3 submitters: Uncertain significance (2); Likely benign (1). Last evaluated 2026-06-16.

Conditions:
COL12A1-related disorder. Also called: COL12A1-related condition.
Ullrich congenital muscular dystrophy 2 (UCMD2). Identifiers: Orphanet 75840, MedGen C4225314, MONDO:0014654, OMIM 616470.
Bethlem myopathy 2 (BTHLM2). Identifiers: Orphanet 536516, Orphanet 610, MedGen C4225313, MONDO:0034022, OMIM 616471.

Allele frequency attached by ClinVar (database versions not stated): ExAC 0.00001; gnomAD exomes 0.00001 and 0.00002; TOPMed 0.00002; gnomAD 0.00003.
gnomAD v4.1: 29 of 1,613,072 alleles (0.0018%); highest among the groups gnomAD compares: African/African-American, 0.004%; no homozygotes.

Submissions (3):

PreventionGenetics, part of Exact Sciences
Classification: Uncertain significance for COL12A1-related condition. Last evaluated: 2026-06-16. Review status: criteria provided, single submitter. Criteria: ACMG Guidelines, 2015. Collection method: clinical testing. Allele origin: germline.
Comment: The COL12A1 c.4312A>G variant is predicted to result in the amino acid substitution p.Ser1438Gly. To our knowledge, this variant has not been reported in the literature. This variant is reported in 0.013% of alleles in individuals of African descent in gnomAD. At this time, the clinical significance of this variant is uncertain due to the absence of conclusive functional and genetic evidence.

Women's Health and Genetics/Laboratory Corporation of America, LabCorp
Classification: Uncertain significance. Last evaluated: 2025-10-07. Review status: criteria provided, single submitter. Criteria: LabCorp Variant Classification Summary - May 2015. Collection method: clinical testing. Allele origin: germline.
Comment: Variant summary: COL12A1 c.4312A>G (p.Ser1438Gly) results in a non-conservative amino acid change located in the Fibronectin type III domain (IPR036116) of the encoded protein sequence. Algorithms developed to predict the effect of missense changes on protein structure and function are either unavailable or do not agree on the potential impact of this missense change. The variant allele was found at a frequency of 1.2e-05 in 248380 control chromosomes. The available data on variant occurrences in the general population are insufficient to allow any conclusion about variant significance. To our knowledge, no occurrence of c.4312A>G in individuals affected with COL12A1-related conditions and no experimental evidence demonstrating its impact on protein function have been reported. ClinVar contains an entry for this variant (Variation ID: 581876). Based on the evidence outlined above, the variant was classified as uncertain significance.

Labcorp Genetics (formerly Invitae), Labcorp
Classification: Likely benign for Bethlem myopathy 2; Ullrich congenital muscular dystrophy 2. Last evaluated: 2024-01-19. Review status: criteria provided, single submitter. Criteria: Invitae Variant Classification Sherloc (09022015). Collection method: clinical testing. Allele origin: germline.

NM_004370.6(COL12A1):c.4312A>G (p.Ser1438Gly)

Gene: COL12A1 (collagen type XII alpha 1 chain; minus strand). Cytogenetic location: 6q13.
Variant type: single nucleotide variant.
Coding change: c.4312A>G on transcript NM_004370.6 (MANE Select); coding-DNA position 4312, A replaced by G.
Protein change: p.Ser1438Gly; replaces serine 1438 with glycine.
Molecular consequence: missense variant.
Genome position (GRCh38, 1-based): chr6:75,147,780, T>C on the plus strand (A>G on the coding strand, the complement: COL12A1 is on the minus strand). VCF-style: chr6-75147780-T-C. GRCh37 (hg19) VCF-style: chr6-75857496-T-C.
Other names: c.820A>G, p.Ser274Gly (NM_080645.3); short protein forms S1438G, S274G.
Identifiers: ClinVar variation 581876 (VCV000581876.9), dbSNP rs201651899, ClinGen allele CA3893478.
Genomic context (GRCh38, chr6:75,147,780, plus strand): 5'-CCACAGAATACACATTGACAACATATTCAGTTTCAGGTTTCAGATCTTTCAGCACTGTGC[T>C]AGTTTCCATTCGACTCACATAAAACTAGGGGGAAAAATTAAACAGAGCAACAACGTATGT-3'
Protein context (NP_004361.3, residues 1428-1448): QEFYVSRMET[Ser1438Gly]TVLKDLKPET